The following is an entry in ClinVar:

ClinVar aggregate classification (germline): Uncertain significance. Review status: criteria provided, multiple submitters, no conflicts (2 of 4 stars). 2 submissions from 2 submitters: Uncertain significance (2). Last evaluated 2026-01-31.

Allele frequency attached by ClinVar (database versions not stated): gnomAD exomes below 0.00001.
gnomAD v4.1: 3 of 1,607,618 alleles (0.00019%); highest among the groups gnomAD compares: Admixed American, 0.0017%; no homozygotes.

Submissions (2):

Labcorp Genetics (formerly Invitae), Labcorp
Classification: Uncertain significance. Last evaluated: 2026-01-31. Review status: criteria provided, single submitter. Criteria: Invitae Variant Classification Sherloc (09022015). Collection method: clinical testing. Allele origin: germline.
Comment: This sequence change replaces tryptophan, which is neutral and slightly polar, with arginine, which is basic and polar, at codon 438 of the NALCN protein (p.Trp438Arg). This variant is present in population databases (no rsID available, gnomAD 0.003%). This variant has not been reported in the literature in individuals affected with NALCN-related conditions. ClinVar contains an entry for this variant (Variation ID: 1707352). Invitae Evidence Modeling of protein sequence and biophysical properties (such as structural, functional, and spatial information, amino acid conservation, physicochemical variation, residue mobility, and thermodynamic stability) has been performed for this missense variant. However, the output from this modeling did not meet the statistical confidence thresholds required to predict the impact of this variant on NALCN protein function. In summary, the available evidence is currently insufficient to determine the role of this variant in disease. Therefore, it has been classified as a Variant of Uncertain Significance.

GeneDx
Classification: Uncertain significance. Last evaluated: 2022-03-21. Review status: criteria provided, single submitter. Criteria: GeneDx Variant Classification Process June 2021. Collection method: clinical testing. Allele origin: germline. Affected: yes.
Comment: In silico analysis supports that this missense variant has a deleterious effect on protein structure/function; Has not been previously published as pathogenic or benign to our knowledge

NM_052867.4(NALCN):c.1312T>C (p.Trp438Arg)

Gene: NALCN (sodium leak channel, non-selective; minus strand). Cytogenetic location: 13q33.1.
Variant type: single nucleotide variant.
Coding change: c.1312T>C on transcript NM_052867.4 (MANE Select); coding-DNA position 1312, T replaced by C.
Protein change: p.Trp438Arg; replaces tryptophan 438 with arginine.
Molecular consequence: missense variant.
Genome position (GRCh38, 1-based): chr13:101,237,877, A>G on the plus strand (T>C on the coding strand, the complement: NALCN is on the minus strand). VCF-style: chr13-101237877-A-G. GRCh37 (hg19) VCF-style: chr13-101890228-A-G.
Other names: c.1312T>C, p.Trp438Arg (NM_001350748.2, NM_001350749.2); c.1225T>C, p.Trp409Arg (NM_001350750.2, NM_001350751.2); short protein forms W409R, W438R.
Identifiers: ClinVar variation 1707352 (VCV001707352.3), dbSNP rs1179998022, ClinGen allele CA388703245.